The following is an entry in ClinVar:

NM_001164665.2(KIAA1549):c.2710G>A (p.Ala904Thr)

Gene: KIAA1549 (KIAA1549; minus strand). Cytogenetic location: 7q34.
Variant type: single nucleotide variant.
Coding change: c.2710G>A on transcript NM_001164665.2 (MANE Select); coding-DNA position 2710, G replaced by A.
Protein change: p.Ala904Thr; replaces alanine 904 with threonine.
Molecular consequence: missense variant.
Genome position (GRCh38, 1-based): chr7:138,916,916, C>T on the plus strand (G>A on the coding strand, the complement: KIAA1549 is on the minus strand). VCF-style: chr7-138916916-C-T. GRCh37 (hg19) VCF-style: chr7-138601662-C-T.
Other names: c.2710G>A, p.Ala904Thr (NM_020910.3); short protein forms A904T.
Identifiers: ClinVar variation 732852 (VCV000732852.14), dbSNP rs117908080, ClinGen allele CA4506441.

ClinVar aggregate classification (germline): Benign. Review status: criteria provided, multiple submitters, no conflicts (2 of 4 stars). 4 submissions from 4 submitters: Benign (3). 1 of the submissions does not count toward it. Last evaluated 2025-11-25.

Conditions:
Retinal dystrophy. Also called: Inherited retinal dystrophy. Identifiers: Orphanet 71862, MedGen C0854723, MeSH D058499, MONDO:0019118, HP:0000556.
KIAA1549-related disorder. Also called: KIAA1549-related condition.

Allele frequency attached by ClinVar (database versions not stated): gnomAD 0.00070 and 0.00097; gnomAD exomes 0.00072 and 0.00217; TOPMed 0.00139; ExAC 0.00241; 1000 Genomes Project 30x 0.00390; 1000 Genomes Project 0.00479.
gnomAD v4.1: 1,209 of 1,612,714 alleles (0.075%); highest among the groups gnomAD compares: East Asian, 2.4%; 21 homozygotes.

Submissions (4):

Labcorp Genetics (formerly Invitae), Labcorp
Classification: Benign. Last evaluated: 2025-11-25. Review status: criteria provided, single submitter. Criteria: Invitae Variant Classification Sherloc (09022015). Collection method: clinical testing. Allele origin: germline.

Dept Of Ophthalmology, Nagoya University
Classification: Benign for Retinal dystrophy. Last evaluated: 2023-10-01. Review status: criteria provided, single submitter. Criteria: Submitter's publication. Collection method: research. Allele origin: germline. Affected: yes.

Breakthrough Genomics
Classification: Benign. Review status: criteria provided, single submitter. Criteria: ACMG Guidelines, 2015. Collection method: not provided. Allele origin: germline. Inheritance: Autosomal recessive inheritance. Affected: yes.

PreventionGenetics, part of Exact Sciences
Classification: Benign for KIAA1549-related condition. Last evaluated: 2019-07-03. Review status: no assertion criteria provided. Collection method: clinical testing. Allele origin: germline. Not counted in ClinVar's aggregate classification.
Comment: This variant is classified as benign based on ACMG/AMP sequence variant interpretation guidelines (Richards et al. 2015 PMID: 25741868, with internal and published modifications).